The following is an entry in ClinVar:

NM_020795.4(NLGN2):c.1207G>A (p.Ala403Thr)

Gene: NLGN2 (neuroligin 2; plus strand). Cytogenetic location: 17p13.1.
Variant type: single nucleotide variant.
Coding change: c.1207G>A on transcript NM_020795.4 (MANE Select); coding-DNA position 1207, G replaced by A.
Protein change: p.Ala403Thr; replaces alanine 403 with threonine.
Molecular consequence: missense variant.
Genome position (GRCh38, 1-based): chr17:7,415,680, G>A. VCF-style: chr17-7415680-G-A. GRCh37 (hg19) VCF-style: chr17-7318999-G-A.
Other names: short protein forms A403T.
Identifiers: ClinVar variation 3369099 (VCV003369099.1).
Genomic context (GRCh38, chr17:7,415,680, plus strand): 5'-AACCAGGGAGAGGGCCTCAAGTTCGTGGAGGACTCTGCAGAGAGCGAGGACGGTGTGTCT[G>A]CCAGCGCCTTTGACTTCACTGTCTCCAACTTTGTGGACAACCTGTATGGCTACCCGGAAG-3'
Protein context (NP_065846.1, residues 393-413): DSAESEDGVS[Ala403Thr]SAFDFTVSNF

ClinVar aggregate classification (germline): Uncertain significance (1 of 4 stars; one submission).

Submission:

GeneDx
Classification: Uncertain significance. Last evaluated: 2024-02-14. Review status: criteria provided, single submitter. Criteria: GeneDx Variant Classification Process June 2021. Collection method: clinical testing. Allele origin: germline. Affected: yes.
Comment: Not observed at significant frequency in large population cohorts (gnomAD); In silico analysis supports that this missense variant does not alter protein structure/function; Has not been previously published as pathogenic or benign to our knowledge